The following is an entry in ClinVar:

ClinVar aggregate classification (germline): Uncertain significance. Review status: criteria provided, multiple submitters, no conflicts (2 of 4 stars). 3 submissions from 3 submitters: Uncertain significance (3). Last evaluated 2024-10-08.

Allele frequency attached by ClinVar (database versions not stated): gnomAD 0.00002 and 0.00004; TOPMed 0.00006; ESP Exome Variant Server 0.00008; ExAC 0.00001.
gnomAD v4.1: 8 of 1,613,688 alleles (0.0005%); highest among the groups gnomAD compares: African/African-American, 0.008%; no homozygotes.

Submissions (3):

Athena Diagnostics
Classification: Uncertain significance. Last evaluated: 2024-10-08. Review status: criteria provided, single submitter. Criteria: Athena Diagnostics Criteria. Collection method: clinical testing. Allele origin: unknown.
Comment: Available data are insufficient to determine the clinical significance of the variant at this time. The frequency of this variant in the general population is uninformative in assessment of its pathogenicity. Polyphen and MutationTaster predict this amino acid change may be benign.

Labcorp Genetics (formerly Invitae), Labcorp
Classification: Uncertain significance. Last evaluated: 2023-03-15. Review status: criteria provided, single submitter. Criteria: Invitae Variant Classification Sherloc (09022015). Collection method: clinical testing. Allele origin: germline.
Comment: This sequence change replaces proline, which is neutral and non-polar, with alanine, which is neutral and non-polar, at codon 360 of the HSPG2 protein (p.Pro360Ala). This variant is present in population databases (rs370772335, gnomAD 0.01%). This variant has not been reported in the literature in individuals affected with HSPG2-related conditions. ClinVar contains an entry for this variant (Variation ID: 373153). An algorithm developed to predict the effect of missense changes on protein structure and function (PolyPhen-2) suggests that this variant is likely to be tolerated. In summary, the available evidence is currently insufficient to determine the role of this variant in disease. Therefore, it has been classified as a Variant of Uncertain Significance.

GeneDx
Classification: Uncertain significance. Last evaluated: 2016-11-22. Review status: criteria provided, single submitter. Criteria: GeneDx Variant Classification (06012015). Collection method: clinical testing. Allele origin: germline. Affected: yes.
Comment: The P360A variant in the HSPG2 gene has not been reported previously as a pathogenic variant, nor as a benign variant, to our knowledge. The P360A variant was not observed with any significant frequency in approximately 6500 individuals of European and African American ancestry in the NHLBI Exome Sequencing Project, indicating it is not a common benign variant in these populations. The P360A variant is a semi-conservative amino acid substitution, which may impact secondary protein structure as these residues differ in some properties. This substitution occurs at a position that is conserved across species. In silico analysis is inconsistent in its predictions as to whether or not the variant is damaging to the protein structure/function. We interpret P360A as a variant of uncertain significance.

Literature cited by the submitters: PubMed 38534782 (cited by Athena Diagnostics); PubMed 32574564 (cited by Athena Diagnostics).

NM_005529.7(HSPG2):c.1078C>G (p.Pro360Ala)

Gene: HSPG2 (heparan sulfate proteoglycan 2; minus strand). Cytogenetic location: 1p36.12.
Variant type: single nucleotide variant.
Coding change: c.1078C>G on transcript NM_005529.7 (MANE Select); coding-DNA position 1078, C replaced by G.
Protein change: p.Pro360Ala; replaces proline 360 with alanine.
Molecular consequence: missense variant.
Genome position (GRCh38, 1-based): chr1:21,887,215, G>C on the plus strand (C>G on the coding strand, the complement: HSPG2 is on the minus strand). VCF-style: chr1-21887215-G-C. GRCh37 (hg19) VCF-style: chr1-22213708-G-C.
Other names: c.1078C>G, p.Pro360Ala (NM_001291860.2); c.1078C>G (NM_005529.6); short protein forms P360A.
Identifiers: ClinVar variation 373153 (VCV000373153.5), dbSNP rs370772335, ClinGen allele CA673600.